The following is an entry in ClinVar:

NM_000260.4(MYO7A):c.850-1G>C

Gene: MYO7A (myosin VIIA; plus strand). Cytogenetic location: 11q13.5.
Variant type: single nucleotide variant.
Coding change: c.850-1G>C on transcript NM_000260.4 (MANE Select); the canonical splice acceptor site of the intron before coding-DNA position 850, G replaced by C.
Molecular consequence: splice acceptor variant.
Genome position (GRCh38, 1-based): chr11:77,158,276, G>C. VCF-style: chr11-77158276-G-C. GRCh37 (hg19) VCF-style: chr11-76869322-G-C.
Other names: c.817-1G>C (NM_001369365.1); c.850-1G>C (NM_001127180.2).
Identifiers: ClinVar variation 3647024 (VCV003647024.2).
Genomic context (GRCh38, chr11:77,158,276, plus strand): 5'-CTGCCCCTCTGGGGGTACACTGACGTCCTCTTGCACCCCACTCTCCCACCCTGCCCACCA[G>C]GGTAACTGCATAACCTGTGAGGGCCGGGTGGACAGCCAGGAGTACGCCAACATCCGCTCC-3'

ClinVar aggregate classification (germline): Pathogenic (1 of 4 stars; one submission).

Submission:

Labcorp Genetics (formerly Invitae), Labcorp
Classification: Pathogenic. Last evaluated: 2024-03-20. Review status: criteria provided, single submitter. Criteria: Invitae Variant Classification Sherloc (09022015). Collection method: clinical testing. Allele origin: germline.
Comment: This sequence change affects an acceptor splice site in intron 8 of the MYO7A gene. It is expected to disrupt RNA splicing. Variants that disrupt the donor or acceptor splice site typically lead to a loss of protein function (PMID: 16199547), and loss-of-function variants in MYO7A are known to be pathogenic (PMID: 8900236, 25404053). This variant is not present in population databases (gnomAD no frequency). Disruption of this splice site has been observed in individual(s) with Usher syndrome (Invitae). Algorithms developed to predict the effect of sequence changes on RNA splicing suggest that this variant may disrupt the consensus splice site. For these reasons, this variant has been classified as Pathogenic.

Literature cited by the submitters: PubMed 16199547; PubMed 8900236; PubMed 25404053.